The following is an entry in ClinVar:

NM_001711.6(BGN):c.932A>G (p.Asn311Ser)

Gene: BGN (biglycan; plus strand). Cytogenetic location: Xq28.
Variant type: single nucleotide variant.
Coding change: c.932A>G on transcript NM_001711.6 (MANE Select); coding-DNA position 932, A replaced by G.
Protein change: p.Asn311Ser; replaces asparagine 311 with serine.
Molecular consequence: missense variant.
Genome position (GRCh38, 1-based): chrX:153,508,270, A>G. VCF-style: chrX-153508270-A-G. GRCh37 (hg19) VCF-style: chrX-152773728-A-G.
Other names: short protein forms N311S.
Identifiers: ClinVar variation 4741305 (VCV004741305.1).

ClinVar aggregate classification (germline): Uncertain significance (1 of 4 stars; one submission).

Submission:

Labcorp Genetics (formerly Invitae), Labcorp
Classification: Uncertain significance. Last evaluated: 2025-09-03. Review status: criteria provided, single submitter. Criteria: Invitae Variant Classification Sherloc (09022015). Collection method: clinical testing. Allele origin: germline.
Comment: This sequence change replaces asparagine, which is neutral and polar, with serine, which is neutral and polar, at codon 311 of the BGN protein (p.Asn311Ser). This variant is not present in population databases (gnomAD no frequency). This variant has not been reported in the literature in individuals affected with BGN-related conditions. Invitae Evidence Modeling of protein sequence and biophysical properties (such as structural, functional, and spatial information, amino acid conservation, physicochemical variation, residue mobility, and thermodynamic stability) indicates that this missense variant is not expected to disrupt BGN protein function with a negative predictive value of 80%. In summary, the available evidence is currently insufficient to determine the role of this variant in disease. Therefore, it has been classified as a Variant of Uncertain Significance.